The following is an entry in ClinVar:

ClinVar aggregate classification (germline): Likely benign. Review status: criteria provided, multiple submitters, no conflicts (2 of 4 stars). 3 submissions from 3 submitters: Likely benign (3). Last evaluated 2026-04-16.

Conditions:
FBXO38-related disorder. Also called: FBXO38-related condition.
Distal hereditary motor neuropathy type 2. Identifiers: Orphanet 139525, MedGen C3711384, MeSH C580044, MONDO:0015352.

Allele frequency attached by ClinVar (database versions not stated): gnomAD exomes 0.00001 and 0.00002; ExAC 0.00002; gnomAD 0.00005; TOPMed 0.00005.
gnomAD v4.1: 20 of 1,606,426 alleles (0.0012%); highest among the groups gnomAD compares: African/African-American, 0.012%; no homozygotes.

Submissions (3):

PreventionGenetics, part of Exact Sciences
Classification: Likely benign for FBXO38-related condition. Last evaluated: 2026-04-16. Review status: criteria provided, single submitter. Criteria: ACMG Guidelines, 2015. Collection method: clinical testing. Allele origin: germline.
Comment: This variant is classified as likely benign based on ACMG/AMP sequence variant interpretation guidelines (Richards et al. 2015 PMID: 25741868, with internal and published modifications).

Labcorp Genetics (formerly Invitae), Labcorp
Classification: Likely benign for Distal hereditary motor neuropathy type 2. Last evaluated: 2026-01-02. Review status: criteria provided, single submitter. Criteria: Invitae Variant Classification Sherloc (09022015). Collection method: clinical testing. Allele origin: germline.

Blueprint Genetics
Classification: Likely benign. Last evaluated: 2024-08-22. Review status: criteria provided, single submitter. Criteria: ACMG Guidelines, 2015. Collection method: clinical testing. Allele origin: germline.

NM_205836.3(FBXO38):c.1110G>A (p.Ala370=)

Gene: FBXO38 (F-box protein 38; plus strand). Cytogenetic location: 5q32.
Variant type: single nucleotide variant.
Coding change: c.1110G>A on transcript NM_205836.3 (MANE Select); coding-DNA position 1110, G replaced by A.
Protein change: p.Ala370=; no amino-acid change (alanine 370 retained).
Molecular consequence: synonymous variant.
Genome position (GRCh38, 1-based): chr5:148,414,152, G>A. VCF-style: chr5-148414152-G-A. GRCh37 (hg19) VCF-style: chr5-147793715-G-A.
Other names: c.1110G>A, p.Ala370= (NM_001271723.2, NM_030793.5).
Identifiers: ClinVar variation 473946 (VCV000473946.13), dbSNP rs768439318, ClinGen allele CA3497213.
Genomic context (GRCh38, chr5:148,414,152, plus strand): 5'-TAAGAATTTGACTTTTTTTTTTTTTAATTGATTGCTCTTTTTAGGCAGAATGGCTAATGC[G>A]GATCTGGTGAAGTATGGTTTGGCTGATGTGGTAGAAAATCCTGGTATCATCACTGATATA-3'
Protein context (NP_995308.1, residues 360-380): EFLLQSRMAN[Ala370=]DLVKYGLADV